The following is an entry in ClinVar:

NM_004656.4(BAP1):c.1637A>T (p.Tyr546Phe)

Gene: BAP1 (BRCA1 associated deubiquitinase 1; minus strand). Cytogenetic location: 3p21.1.
Variant type: single nucleotide variant.
Coding change: c.1637A>T on transcript NM_004656.4 (MANE Select); coding-DNA position 1637, A replaced by T.
Protein change: p.Tyr546Phe; replaces tyrosine 546 with phenylalanine.
Molecular consequence: missense variant.
Genome position (GRCh38, 1-based): chr3:52,403,508, T>A on the plus strand (A>T on the coding strand, the complement: BAP1 is on the minus strand). VCF-style: chr3-52403508-T-A. GRCh37 (hg19) VCF-style: chr3-52437524-T-A.
Other names: c.1637A>T (NM_004656.2); short protein forms Y546F.
Identifiers: ClinVar variation 920478 (VCV000920478.8), dbSNP rs1705040186, ClinGen allele CA353100140.

ClinVar aggregate classification (germline): Conflicting classifications of pathogenicity. Review status: criteria provided, conflicting classifications (1 of 4 stars). 3 submissions from 3 submitters: Uncertain significance (2); Benign (1). Last evaluated 2025-06-16.

Conditions:
Hereditary cancer-predisposing syndrome. Also called: Neoplastic Syndromes, Hereditary; Tumor predisposition; Hereditary Cancer Syndrome; Hereditary neoplastic syndrome. Identifiers: Orphanet 140162, MedGen C0027672, MeSH D009386, MONDO:0015356.
BAP1-related tumor predisposition syndrome (TPDS1). Also called: Tumor susceptibility linked to germline BAP1 mutations; COMMON Syndrome; TUMOR PREDISPOSITION SYNDROME 1; BAP1 tumor predisposition syndrome. Identifiers: Orphanet 289539, MedGen C3280492, MONDO:0013692, OMIM 614327.

Allele frequency attached by ClinVar (database versions not stated): gnomAD exomes below 0.00001.

Submissions (3):

Ambry Genetics
Classification: Benign for Hereditary cancer-predisposing syndrome. Last evaluated: 2025-06-16. Review status: criteria provided, single submitter. Criteria: Ambry Variant Classification Scheme 2023. Collection method: clinical testing. Allele origin: germline.

Color Diagnostics, LLC DBA Color Health
Classification: Uncertain significance for Hereditary cancer-predisposing syndrome. Last evaluated: 2024-03-06. Review status: criteria provided, single submitter. Criteria: ACMG Guidelines, 2015. Collection method: clinical testing. Allele origin: germline.
Comment: This missense variant replaces tyrosine with phenylalanine at codon 546 of the BAP1 protein. Computational prediction tools and conservation analyses suggest that this variant may not impact protein structure and function. Splice site prediction tools suggest that this variant may not impact RNA splicing. To our knowledge, functional studies have not been performed for this variant. This variant has not been reported in individuals affected with hereditary cancer in the literature. This variant has not been identified in the general population by the Genome Aggregation Database (gnomAD). The available evidence is insufficient to determine the role of this variant in disease conclusively. Therefore, this variant is classified as a Variant of Uncertain Significance.

Labcorp Genetics (formerly Invitae), Labcorp
Classification: Uncertain significance for BAP1-related tumor predisposition syndrome. Last evaluated: 2023-09-04. Review status: criteria provided, single submitter. Criteria: Invitae Variant Classification Sherloc (09022015). Collection method: clinical testing. Allele origin: germline.
Comment: This variant is not present in population databases (gnomAD no frequency). This sequence change replaces tyrosine, which is neutral and polar, with phenylalanine, which is neutral and non-polar, at codon 546 of the BAP1 protein (p.Tyr546Phe). This variant has not been reported in the literature in individuals affected with BAP1-related conditions. ClinVar contains an entry for this variant (Variation ID: 920478). Advanced modeling of protein sequence and biophysical properties (such as structural, functional, and spatial information, amino acid conservation, physicochemical variation, residue mobility, and thermodynamic stability) performed at Invitae indicates that this missense variant is not expected to disrupt BAP1 protein function. In summary, the available evidence is currently insufficient to determine the role of this variant in disease. Therefore, it has been classified as a Variant of Uncertain Significance.

Literature cited by the submitters: PubMed 38969833 (cited by Ambry Genetics).